The following is an entry in ClinVar:

NM_002234.4(KCNA5):c.913G>A (p.Ala305Thr)

Gene: KCNA5 (potassium voltage-gated channel subfamily A member 5; plus strand). Cytogenetic location: 12p13.32.
Variant type: single nucleotide variant.
Coding change: c.913G>A on transcript NM_002234.4 (MANE Select); coding-DNA position 913, G replaced by A.
Protein change: p.Ala305Thr; replaces alanine 305 with threonine.
Molecular consequence: missense variant.
Genome position (GRCh38, 1-based): chr12:5,045,060, G>A. VCF-style: chr12-5045060-G-A. GRCh37 (hg19) VCF-style: chr12-5154226-G-A.
Other names: short protein forms A305T.
Identifiers: ClinVar variation 127136 (VCV000127136.50), dbSNP rs199794307, ClinGen allele CA151378.
Genomic context (GRCh38, chr12:5,045,060, plus strand): 5'-CCTCCGGCGCCCCACCAGCCTCCCGCGCCCGCCCCTGGGGCCAACGGCAGCGGGGTCATG[G>A]CCCCGCCCTCTGGCCCTACGGTGGCACCGCTCCTGCCCAGGACCCTGGCCGACCCCTTCT-3'
Protein context (NP_002225.2, residues 295-315): APGANGSGVM[Ala305Thr]PPSGPTVAPL

ClinVar aggregate classification (germline): Uncertain significance. Review status: criteria provided, multiple submitters, no conflicts (2 of 4 stars). 5 submissions from 5 submitters: Uncertain significance (4). 1 of the submissions does not count toward it. Last evaluated 2025-10-01.

Conditions:
Atrial fibrillation, familial, 7 (ATFB7). Identifiers: MedGen C2677106, MONDO:0012828, OMIM 612240.

Allele frequency attached by ClinVar (database versions not stated): ExAC 0.00001; gnomAD exomes 0.00002 and 0.00008; TOPMed 0.00003; gnomAD 0.00007.

Submissions (5):

Labcorp Genetics (formerly Invitae), Labcorp
Classification: Uncertain significance for Atrial fibrillation, familial, 7. Last evaluated: 2025-10-01. Review status: criteria provided, single submitter. Criteria: Invitae Variant Classification Sherloc (09022015). Collection method: clinical testing. Allele origin: germline.
Comment: This sequence change replaces alanine, which is neutral and non-polar, with threonine, which is neutral and polar, at codon 305 of the KCNA5 protein (p.Ala305Thr). This variant is present in population databases (rs199794307, gnomAD 0.006%). This missense change has been observed in individual(s) with atrial fibrillation (PMID: 23264583, 24144883). ClinVar contains an entry for this variant (Variation ID: 127136). An algorithm developed to predict the effect of missense changes on protein structure and function (PolyPhen-2) suggests that this variant is likely to be tolerated. Experimental studies have shown that this missense change affects KCNA5 function (PMID: 23264583, 28803858). In summary, the available evidence is currently insufficient to determine the role of this variant in disease. Therefore, it has been classified as a Variant of Uncertain Significance.

Fulgent Genetics
Classification: Uncertain significance for Atrial fibrillation, familial, 7. Last evaluated: 2022-03-01. Review status: criteria provided, single submitter. Criteria: ACMG Guidelines, 2015. Collection method: clinical testing. Allele origin: unknown.

CeGaT Center for Human Genetics Tuebingen
Classification: Uncertain significance. Last evaluated: 2016-11-01. Review status: criteria provided, single submitter. Criteria: CeGaT Center For Human Genetics Tuebingen Variant Classification Criteria Version 2. Collection method: clinical testing. Allele origin: germline. Affected: yes. Observed: 1 variant allele.

Biesecker Lab/Clinical Genomics Section, National Institutes of Health
Classification: Uncertain significance. Last evaluated: 2013-06-24. Review status: criteria provided, single submitter. Criteria: Ng et al. (Circ Cardiovasc Genet. 2013). Collection method: research. Allele origin: unknown. Observed: 1 variant allele. Study: ClinSeq.
Comment: The study set was not selected for affection status in relation to any cancer. Pathogenicity categories were based on literature curation. See Pubmed ID:23861362 for details.

Medical sequencing

OMIM
Classification: Pathogenic for ATRIAL FIBRILLATION, FAMILIAL, 7. Last evaluated: 2013-05-01. Review status: no assertion criteria provided. Collection method: literature only. Allele origin: germline. Not counted in ClinVar's aggregate classification.

Literature cited by the submitters: PubMed 23264583 (cited by Labcorp Genetics (formerly Invitae), Labcorp and OMIM); PubMed 24144883 (cited by Labcorp Genetics (formerly Invitae), Labcorp); PubMed 28803858 (cited by Labcorp Genetics (formerly Invitae), Labcorp).